The following is an entry in ClinVar:

ClinVar aggregate classification (germline): Uncertain significance. Review status: criteria provided, multiple submitters, no conflicts (2 of 4 stars). 2 submissions from 2 submitters: Uncertain significance (2). Last evaluated 2025-07-21.

Conditions:
Mowat-Wilson syndrome (MOWS). Also called: Classic Mowat-Wilson Syndrome. Identifiers: Orphanet 2152, MedGen C1856113, MONDO:0009341, OMIM 235730.

Submissions (2):

Labcorp Genetics (formerly Invitae), Labcorp
Classification: Uncertain significance for Mowat-Wilson syndrome. Last evaluated: 2025-07-21. Review status: criteria provided, single submitter. Criteria: Invitae Variant Classification Sherloc (09022015). Collection method: clinical testing. Allele origin: germline.
Comment: This sequence change replaces leucine, which is neutral and non-polar, with arginine, which is basic and polar, at codon 875 of the ZEB2 protein (p.Leu875Arg). This variant is not present in population databases (gnomAD no frequency). This variant has not been reported in the literature in individuals affected with ZEB2-related conditions. ClinVar contains an entry for this variant (Variation ID: 181741). Invitae Evidence Modeling of protein sequence and biophysical properties (such as structural, functional, and spatial information, amino acid conservation, physicochemical variation, residue mobility, and thermodynamic stability) indicates that this missense variant is not expected to disrupt ZEB2 protein function with a negative predictive value of 80%. In summary, the available evidence is currently insufficient to determine the role of this variant in disease. Therefore, it has been classified as a Variant of Uncertain Significance.

GeneDx
Classification: Uncertain significance. Last evaluated: 2013-05-16. Review status: criteria provided, single submitter. Criteria: GeneDx Variant Classification (06012015). Collection method: clinical testing. Allele origin: germline. Affected: yes.
Comment: This variant is denoted p.Leu875Arg at the protein level, c.2624 T>G at the cDNA level, and results in the change of a Leucine for an Arginine (CTG>CGG) in exon 8 of the ZEB2 gene (NM_014795.2). The Leu875Arg missense change has not been published as a mutation, nor has it been reported as a benign polymorphism to our knowledge. It was not observed in approximately 6,500 individuals of European and African American ancestry in the NHLBI Exome Sequencing Project, indicating it is not a common benign variant in these populations. The amino acid substitution is non-conservative, as an uncharged, non-polar Leucine residue is replaced by a positively charged Arginine residue. It alters a position that is conserved through mammals but is not conserved in more distant species through evolution. However, missense mutations in the ZEB2 gene are rare and have been identified in less than 2% of patients with Mowat- Wilson syndrome (Garavelli et al., 2009). One in silico algorithm predicts Leu875Arg may be benign, while other models suggest it may be damaging to protein structure/function. Therefore, based on the currently available information, it is unclear whether Leu875Arg is a disease-causing mutation or a rare benign variant. The variant is found in INFANT-EPI panel(s).

NM_014795.4(ZEB2):c.2624T>G (p.Leu875Arg)

Gene: ZEB2 (zinc finger E-box binding homeobox 2; minus strand). Cytogenetic location: 2q22.3.
Variant type: single nucleotide variant.
Coding change: c.2624T>G on transcript NM_014795.4 (MANE Select); coding-DNA position 2624, T replaced by G.
Protein change: p.Leu875Arg; replaces leucine 875 with arginine.
Molecular consequence: missense variant.
Genome position (GRCh38, 1-based): chr2:144,398,563, A>C on the plus strand (T>G on the coding strand, the complement: ZEB2 is on the minus strand). VCF-style: chr2-144398563-A-C. GRCh37 (hg19) VCF-style: chr2-145156130-A-C.
Other names: p.L875R:CTG>CGG; c.2552T>G, p.Leu851Arg (NM_001171653.2); short protein forms L875R, L851R.
Identifiers: ClinVar variation 181741 (VCV000181741.5), dbSNP rs730881199, ClinGen allele CA297611.